The following is an entry in ClinVar:

ClinVar aggregate classification (germline): Uncertain significance. Review status: criteria provided, multiple submitters, no conflicts (2 of 4 stars). 2 submissions from 2 submitters: Uncertain significance (2). Last evaluated 2026-02-17.

Conditions:
Inborn genetic diseases. Identifiers: MedGen C0950123, MeSH D030342.

gnomAD v4.1: 7 of 1,614,016 alleles (0.00043%); highest among the groups gnomAD compares: Middle Eastern, 0.016%; no homozygotes.

Submissions (2):

GeneDx
Classification: Uncertain significance. Last evaluated: 2026-02-17. Review status: criteria provided, single submitter. Criteria: GeneDx Variant Classification Process June 2021. Collection method: clinical testing. Allele origin: germline.
Comment: Not observed at significant frequency in large population cohorts (gnomAD); In silico analysis suggests that this missense variant does not alter protein structure/function; Has not been previously published as pathogenic or benign to our knowledge

Ambry Genetics
Classification: Uncertain significance for Inborn genetic diseases. Last evaluated: 2024-03-25. Review status: criteria provided, single submitter. Criteria: Ambry Variant Classification Scheme 2023. Collection method: clinical testing. Allele origin: germline.

NM_005245.4(FAT1):c.6433A>G (p.Thr2145Ala)

Gene: FAT1 (FAT atypical cadherin 1; minus strand). Cytogenetic location: 4q35.2.
Variant type: single nucleotide variant.
Coding change: c.6433A>G on transcript NM_005245.4 (MANE Select); coding-DNA position 6433, A replaced by G.
Protein change: p.Thr2145Ala; replaces threonine 2145 with alanine.
Molecular consequence: missense variant.
Genome position (GRCh38, 1-based): chr4:186,620,153, T>C on the plus strand (A>G on the coding strand, the complement: FAT1 is on the minus strand). VCF-style: chr4-186620153-T-C. GRCh37 (hg19) VCF-style: chr4-187541307-T-C.
Other names: short protein forms T2145A.
Identifiers: ClinVar variation 3277785 (VCV003277785.2).